The following is an entry in ClinVar:

NM_005585.5(SMAD6):c.358G>C (p.Asp120His)

Gene: SMAD6 (SMAD family member 6; plus strand). Cytogenetic location: 15q22.31.
Variant type: single nucleotide variant.
Coding change: c.358G>C on transcript NM_005585.5 (MANE Select); coding-DNA position 358, G replaced by C.
Protein change: p.Asp120His; replaces aspartic acid 120 with histidine.
Molecular consequence: missense variant. On other transcripts: non-coding transcript variant (1).
Genome position (GRCh38, 1-based): chr15:66,703,616, G>C. VCF-style: chr15-66703616-G-C. GRCh37 (hg19) VCF-style: chr15-66995954-G-C.
Other names: short protein forms D120H.
Identifiers: ClinVar variation 539111 (VCV000539111.10), dbSNP rs1397296874, ClinGen allele CA392949383.

ClinVar aggregate classification (germline): Uncertain significance (1 of 4 stars; one submission).

Conditions:
Aortic valve disease 2 (AOVD2). Identifiers: MedGen C3542024, MONDO:0013902, OMIM 614823.

gnomAD v4.1: 1 of 1,230,164 alleles (0.000081%); highest among the groups gnomAD compares: Admixed American, 0.0043%; no homozygotes.

Submission:

Labcorp Genetics (formerly Invitae), Labcorp
Classification: Uncertain significance for Aortic valve disease 2. Last evaluated: 2023-11-27. Review status: criteria provided, single submitter. Criteria: Invitae Variant Classification Sherloc (09022015). Collection method: clinical testing. Allele origin: germline.
Comment: This sequence change replaces aspartic acid, which is acidic and polar, with histidine, which is basic and polar, at codon 120 of the SMAD6 protein (p.Asp120His). This variant is not present in population databases (gnomAD no frequency). This variant has not been reported in the literature in individuals affected with SMAD6-related conditions. ClinVar contains an entry for this variant (Variation ID: 539111). An algorithm developed to predict the effect of missense changes on protein structure and function (PolyPhen-2) suggests that this variant is likely to be disruptive. In summary, the available evidence is currently insufficient to determine the role of this variant in disease. Therefore, it has been classified as a Variant of Uncertain Significance.